The following is an entry in ClinVar:

NM_018006.4(TRMU):c.-117G>C

Gene: TRMU (tRNA mitochondrial 2-thiouridylase; plus strand). Cytogenetic location: 22q13.31.
Variant type: single nucleotide variant.
Coding change: c.-117G>C on transcript NM_018006.4; 117 bases upstream of the start codon, G replaced by C.
Genome position (GRCh38, 1-based): chr22:46,335,648, G>C. VCF-style: chr22-46335648-G-C. GRCh37 (hg19) VCF-style: chr22-46731545-G-C.
Identifiers: ClinVar variation 341999 (VCV000341999.9), dbSNP rs116519615, ClinGen allele CA10653635.

ClinVar aggregate classification (germline): Benign/Likely benign. Review status: criteria provided, multiple submitters, no conflicts (2 of 4 stars). 2 submissions from 2 submitters: Benign (1); Likely benign (1). Last evaluated 2018-06-14.

Allele frequency attached by ClinVar (database versions not stated): TOPMed 0.03140; 1000 Genomes Project 0.03155; gnomAD 0.02778; 1000 Genomes Project 30x 0.03435.

Submissions (2):

GeneDx
Classification: Benign. Last evaluated: 2018-06-14. Review status: criteria provided, single submitter. Criteria: GeneDx Variant Classification (06012015). Collection method: clinical testing. Allele origin: germline. Affected: yes.
Comment: This variant is considered likely benign or benign based on one or more of the following criteria: it is a conservative change, it occurs at a poorly conserved position in the protein, it is predicted to be benign by multiple in silico algorithms, and/or has population frequency not consistent with disease.

Breakthrough Genomics
Classification: Likely benign. Review status: criteria provided, single submitter. Criteria: ACMG Guidelines, 2015. Collection method: not provided. Allele origin: germline. Inheritance: Autosomal dominant inheritance. Affected: yes.